The following is an entry in ClinVar:

ClinVar aggregate classification (germline): Uncertain significance (1 of 4 stars; one submission).

Conditions:
Nicolaides-Baraitser syndrome (NCBRS). Also called: SMARCA2-Related Nicolaides-Baraitser Syndrome; Intellectual disability-sparse hair-brachydactyly syndrome. Identifiers: Orphanet 3051, MedGen C1303073, MONDO:0011053, OMIM 601358.

Submission:

3billion
Classification: Uncertain significance for Nicolaides-Baraitser syndrome. Last evaluated: 2026-01-06. Review status: criteria provided, single submitter. Criteria: ACMG Guidelines, 2015. Collection method: clinical testing. Allele origin: germline. Affected: yes.
Comment: The variant is not observed in the gnomAD v4.1.0 dataset. Predicted Consequence/Location: Missense variant. Missense changes are a common disease-causing mechanism. Damaging effect on gene or gene product predicted by in silico programs is uncertain [REVEL: 0.46 (damaging >=0.6, benign <0.4), 3Cnet: 0.54 (damaging >0.75, benign <0.1)]. Therefore, this variant is classified as VUS according to the recommendation of ACMG/AMP guideline.

NM_003070.5(SMARCA2):c.3211C>G (p.Leu1071Val)

Gene: SMARCA2 (SWI/SNF related BAF chromatin remodeling complex subunit ATPase 2; plus strand). Cytogenetic location: 9p24.3.
Variant type: single nucleotide variant.
Coding change: c.3211C>G on transcript NM_003070.5 (MANE Select); coding-DNA position 3211, C replaced by G.
Protein change: p.Leu1071Val; replaces leucine 1071 with valine.
Molecular consequence: missense variant.
Genome position (GRCh38, 1-based): chr9:2,104,088, C>G. VCF-style: chr9-2104088-C-G. GRCh37 (hg19) VCF-style: chr9-2104088-C-G.
Other names: c.3211C>G, p.Leu1071Val (NM_001289396.2, NM_139045.4); c.3037C>G, p.Leu1013Val (NM_001289397.2); short protein forms L1013V, L1071V.
Identifiers: ClinVar variation 4855260 (VCV004855260.1).
Genomic context (GRCh38, chr9:2,104,088, plus strand): 5'-AAGTTTGAGCTGCTTGATCGTATTCTGCCAAAATTGAGAGCGACTAATCACCGAGTGCTG[C>G]TTTTCTGCCAGATGACATCTCTCATGACCATCATGGAGGATTATTTTGCTTTTCGGAACT-3'
Protein context (NP_003061.3, residues 1061-1081): KLRATNHRVL[Leu1071Val]FCQMTSLMTI